The following is an entry in ClinVar:

ClinVar aggregate classification (germline): Uncertain significance (1 of 4 stars; one submission).

Conditions:
Inborn genetic diseases. Identifiers: MedGen C0950123, MeSH D030342.

Allele frequency attached by ClinVar (database versions not stated): ExAC 0.00001; gnomAD exomes 0.00001.
gnomAD v4.1: 7 of 1,614,044 alleles (0.00043%); highest among the groups gnomAD compares: Non-Finnish European, 0.00059%; no homozygotes.

Submission:

Ambry Genetics
Classification: Uncertain significance for Inborn genetic diseases. Last evaluated: 2024-08-30. Review status: criteria provided, single submitter. Criteria: Ambry Variant Classification Scheme 2023. Collection method: clinical testing. Allele origin: germline.
Comment: The p.H1972R variant (also known as c.5915A>G), located in coding exon 40 of the LRRK2 gene, results from an A to G substitution at nucleotide position 5915. The histidine at codon 1972 is replaced by arginine, an amino acid with highly similar properties. This amino acid position is conserved. In addition, the in silico prediction for this alteration is inconclusive. Since supporting evidence is limited at this time, the clinical significance of this alteration remains unclear.

NM_198578.4(LRRK2):c.5915A>G (p.His1972Arg)

Gene: LRRK2 (leucine rich repeat kinase 2; plus strand). Cytogenetic location: 12q12.
Variant type: single nucleotide variant.
Coding change: c.5915A>G on transcript NM_198578.4 (MANE Select); coding-DNA position 5915, A replaced by G.
Protein change: p.His1972Arg; replaces histidine 1972 with arginine.
Molecular consequence: missense variant.
Genome position (GRCh38, 1-based): chr12:40,335,124, A>G. VCF-style: chr12-40335124-A-G. GRCh37 (hg19) VCF-style: chr12-40728926-A-G.
Other names: short protein forms H1972R.
Identifiers: ClinVar variation 1750466 (VCV001750466.3), dbSNP rs762547790, ClinGen allele CA6514561.
Genomic context (GRCh38, chr12:40,335,124, plus strand): 5'-AGGGTTCCTTGGATCGCCTGCTTCAGCAGGACAAAGCCAGCCTCACTAGAACCCTACAGC[A>G]CAGGATTGCACTCCACGTAGCTGATGGTTTGAGGTAAGTAGGTCATGTTGTTTTCTATTC-3'
Protein context (NP_940980.4, residues 1962-1982): DKASLTRTLQ[His1972Arg]RIALHVADGL